The following is an entry in ClinVar:

ClinVar aggregate classification (germline): Uncertain significance (1 of 4 stars; one submission).

Submission:

Greenwood Genetic Center Diagnostic Laboratories, Greenwood Genetic Center
Classification: Uncertain significance. Last evaluated: 2025-11-25. Review status: criteria provided, single submitter. Criteria: ACMG Guidelines, 2015. Collection method: clinical testing. Allele origin: germline. Affected: yes.
Comment: Gene of Uncertain Significance

NM_001097620.2(TMEM184A):c.965A>G (p.Tyr322Cys)

Gene: TMEM184A (transmembrane protein 184A; minus strand). Cytogenetic location: 7p22.3.
Variant type: single nucleotide variant.
Coding change: c.965A>G on transcript NM_001097620.2 (MANE Select); coding-DNA position 965, A replaced by G.
Protein change: p.Tyr322Cys; replaces tyrosine 322 with cysteine.
Molecular consequence: missense variant.
Genome position (GRCh38, 1-based): chr7:1,547,789, T>C on the plus strand (A>G on the coding strand, the complement: TMEM184A is on the minus strand). VCF-style: chr7-1547789-T-C. GRCh37 (hg19) VCF-style: chr7-1587425-T-C.
Other names: short protein forms Y322C.
Identifiers: ClinVar variation 4845491 (VCV004845491.1).